The following is an entry in ClinVar:

ClinVar aggregate classification (germline): Uncertain significance (1 of 4 stars; one submission).

Allele frequency attached by ClinVar (database versions not stated): gnomAD 0.00001; gnomAD exomes 0.00001; TOPMed 0.00001; ExAC 0.00002.
gnomAD v4.1: 14 of 1,611,206 alleles (0.00087%); highest among the groups gnomAD compares: Non-Finnish European, 0.00017%; no homozygotes.

Submission:

Labcorp Genetics (formerly Invitae), Labcorp
Classification: Uncertain significance. Last evaluated: 2022-08-27. Review status: criteria provided, single submitter. Criteria: Invitae Variant Classification Sherloc (09022015). Collection method: clinical testing. Allele origin: germline.
Comment: This variant has not been reported in the literature in individuals affected with AHDC1-related conditions. This variant is present in population databases (rs775200356, gnomAD 0.04%). This sequence change replaces glutamine, which is neutral and polar, with histidine, which is basic and polar, at codon 274 of the AHDC1 protein (p.Gln274His). Algorithms developed to predict the effect of missense changes on protein structure and function are either unavailable or do not agree on the potential impact of this missense change (SIFT: "Deleterious"; PolyPhen-2: "Benign"; Align-GVGD: "Class C0"). In summary, the available evidence is currently insufficient to determine the role of this variant in disease. Therefore, it has been classified as a Variant of Uncertain Significance.

NM_001371928.1(AHDC1):c.822G>T (p.Gln274His)

Gene: AHDC1 (AT-hook DNA binding motif containing 1; minus strand). Cytogenetic location: 1p36.11.
Variant type: single nucleotide variant.
Coding change: c.822G>T on transcript NM_001371928.1 (MANE Select); coding-DNA position 822, G replaced by T.
Protein change: p.Gln274His; replaces glutamine 274 with histidine.
Molecular consequence: missense variant.
Genome position (GRCh38, 1-based): chr1:27,551,294, C>A on the plus strand (G>T on the coding strand, the complement: AHDC1 is on the minus strand). VCF-style: chr1-27551294-C-A. GRCh37 (hg19) VCF-style: chr1-27877805-C-A.
Other names: c.822G>T, p.Gln274His (NM_001029882.3); short protein forms Q274H.
Identifiers: ClinVar variation 1922249 (VCV001922249.5), dbSNP rs775200356, ClinGen allele CA716071.